The following is an entry in ClinVar:

ClinVar aggregate classification (germline): Uncertain significance (1 of 4 stars; one submission).

Submission:

GeneDx
Classification: Uncertain significance. Last evaluated: 2024-03-03. Review status: criteria provided, single submitter. Criteria: GeneDx Variant Classification Process June 2021. Collection method: clinical testing. Allele origin: germline. Affected: yes.
Comment: Frameshift variant predicted to result in protein truncation or nonsense mediated decay in a gene or region of a gene for which loss of function is not a well-established mechanism of disease; Not observed at significant frequency in large population cohorts (gnomAD); Has not been previously published as pathogenic or benign to our knowledge

NM_001035.3(RYR2):c.291del (p.Lys97fs)

Gene: RYR2 (ryanodine receptor 2; plus strand). Cytogenetic location: 1q43.
Variant type: Deletion.
Coding change: c.291del on transcript NM_001035.3 (MANE Select); coding-DNA position 291, one base deleted (A; older notation c.291delA).
Protein change: p.Lys97fs; shifts the reading frame from lysine 97.
Molecular consequence: frameshift variant.
Genome position (GRCh38, 1-based): chr1:237,355,982, A deleted; the last of 5 consecutive A bases (chr1:237,355,978-237,355,982); deleting any one gives the same sequence. VCF-style (leftmost placement, unchanged base first): chr1-237355977-GA-G. GRCh37 (hg19) VCF-style: chr1-237519277-GA-G.
Other names: short protein forms K97fs.
Identifiers: ClinVar variation 3373443 (VCV003373443.1).